The following is an entry in ClinVar:

ClinVar aggregate classification (germline): Uncertain significance (1 of 4 stars; one submission).

Conditions:
TECTA-related disorder. Also called: TECTA-related condition.

Allele frequency attached by ClinVar (database versions not stated): ExAC 0.00001.
gnomAD v4.1: 2 of 1,613,088 alleles (0.00012%); highest among the groups gnomAD compares: South Asian, 0.0022%; no homozygotes.

Submission:

PreventionGenetics, part of Exact Sciences
Classification: Uncertain significance for TECTA-related condition. Last evaluated: 2023-07-19. Review status: criteria provided, single submitter. Criteria: ACMG Guidelines, 2015. Collection method: clinical testing. Allele origin: germline.
Comment: The TECTA c.4497C>A variant is predicted to result in the amino acid substitution p.Asp1499Glu. To our knowledge, this variant has not been reported in the literature. This variant is reported in 0.0033% of alleles in individuals of South Asian descent in gnomAD. At this time, the clinical significance of this variant is uncertain due to the absence of conclusive functional and genetic evidence.

NM_005422.4(TECTA):c.4497C>A (p.Asp1499Glu)

Genes: TBCEL-TECTA (TBCEL-TECTA readthrough; plus strand), TECTA (tectorin alpha; plus strand). Cytogenetic location: 11q23.3.
Variant type: single nucleotide variant.
Coding change: c.4497C>A on transcript NM_005422.4 (MANE Select); coding-DNA position 4497, C replaced by A.
Protein change: p.Asp1499Glu; replaces aspartic acid 1499 with glutamic acid.
Molecular consequence: missense variant.
Genome position (GRCh38, 1-based): chr11:121,158,032, C>A. VCF-style: chr11-121158032-C-A. GRCh37 (hg19) VCF-style: chr11-121028741-C-A.
Other names: c.5454C>A, p.Asp1818Glu (NM_001378761.1); short protein forms D1499E, D1818E.
Identifiers: ClinVar variation 2631377 (VCV002631377.1), dbSNP rs760726137, ClinGen allele CA6327475.